The following is an entry in ClinVar:

NM_133259.4(LRPPRC):c.1301G>C (p.Gly434Ala)

Gene: LRPPRC (leucine rich pentatricopeptide repeat containing; minus strand). Cytogenetic location: 2p21.
Variant type: single nucleotide variant.
Coding change: c.1301G>C on transcript NM_133259.4 (MANE Select); coding-DNA position 1301, G replaced by C.
Protein change: p.Gly434Ala; replaces glycine 434 with alanine.
Molecular consequence: missense variant.
Genome position (GRCh38, 1-based): chr2:43,973,675, C>G on the plus strand (G>C on the coding strand, the complement: LRPPRC is on the minus strand). VCF-style: chr2-43973675-C-G. GRCh37 (hg19) VCF-style: chr2-44200814-C-G.
Other names: short protein forms G434A.
Identifiers: ClinVar variation 1703273 (VCV001703273.2), dbSNP rs146515622, ClinGen allele CA346672013.

ClinVar aggregate classification (germline): Uncertain significance (1 of 4 stars; one submission).

gnomAD v4.1: 1 of 1,614,038 alleles (0.000062%); highest among the groups gnomAD compares: Non-Finnish European, 0.000085%; no homozygotes.

Submission:

GeneDx
Classification: Uncertain significance. Last evaluated: 2022-02-24. Review status: criteria provided, single submitter. Criteria: GeneDx Variant Classification Process June 2021. Collection method: clinical testing. Allele origin: germline. Affected: yes.
Comment: Not observed at significant frequency in large population cohorts (gnomAD); In silico analysis supports that this missense variant has a deleterious effect on protein structure/function; Has not been previously published as pathogenic or benign to our knowledge